The following is an entry in ClinVar:

NM_001114753.3(ENG):c.-83C>T

Gene: ENG (endoglin; minus strand). Cytogenetic location: 9q34.11.
Variant type: single nucleotide variant.
Coding change: c.-83C>T on transcript NM_001114753.3 (MANE Select); 83 bases upstream of the start codon, C replaced by T.
Molecular consequence: 5 prime UTR variant.
Genome position (GRCh38, 1-based): chr9:127,854,438, G>A on the plus strand (C>T on the coding strand, the complement: ENG is on the minus strand). VCF-style: chr9-127854438-G-A. GRCh37 (hg19) VCF-style: chr9-130616717-G-A.
Other names: c.-83C>T (NM_000118.4, NM_001406715.1).
Identifiers: ClinVar variation 3667540 (VCV003667540.2).

ClinVar aggregate classification (germline): Uncertain significance (1 of 4 stars; one submission).

Conditions:
Hereditary hemorrhagic telangiectasia (HHT). Also called: ORW DISEASE; Osler Weber Rendu syndrome; OSLER-RENDU-WEBER DISEASE; Osler hemorrhagic telangiectasia syndrome. Identifiers: Orphanet 774, MedGen C0039445, MONDO:0019180. Disease mechanism: loss of function.

gnomAD v4.1: 2 of 1,453,218 alleles (0.00014%); highest among the groups gnomAD compares: Admixed American, 0.002%; no homozygotes.

Submission:

Labcorp Genetics (formerly Invitae), Labcorp
Classification: Uncertain significance for Hereditary hemorrhagic telangiectasia. Last evaluated: 2024-08-10. Review status: criteria provided, single submitter. Criteria: Invitae Variant Classification Sherloc (09022015). Collection method: clinical testing. Allele origin: germline.
Comment: This variant occurs in a non-coding region of the ENG gene. It does not change the encoded amino acid sequence of the ENG protein. This variant is not present in population databases (gnomAD no frequency). This variant has not been reported in the literature in individuals affected with ENG-related conditions. In summary, the available evidence is currently insufficient to determine the role of this variant in disease. Therefore, it has been classified as a Variant of Uncertain Significance.